The following is an entry in ClinVar:

ClinVar aggregate classification (germline): Uncertain significance (1 of 4 stars; one submission).

Conditions:
Episodic ataxia type 2 (EA2). Also called: ATAXIA, EPISODIC, WITH NYSTAGMUS; ATAXIA, FAMILIAL PAROXYSMAL; CEREBELLAR ATAXIA, PAROXYSMAL, ACETAZOLAMIDE-RESPONSIVE; CEREBELLOPATHY, HEREDITARY PAROXYSMAL; EPISODIC ATAXIA, NYSTAGMUS-ASSOCIATED; ACETAZOLAMIDE-RESPONSIVE HEREDITARY PAROXYSMAL CEREBELLAR ATAXIA. Identifiers: Orphanet 97, MedGen C1720416, MONDO:0007163, OMIM 108500.
Developmental and epileptic encephalopathy, 42 (DEE42A). Also called: Epileptic encephalopathy, early infantile, 42; DEVELOPMENTAL AND EPILEPTIC ENCEPHALOPATHY 42A; EPILEPTIC ENCEPHALOPATHY, EARLY INFANTILE, 42A. Identifiers: MedGen C4310716, MONDO:0014917, OMIM 617106.

Submission:

Labcorp Genetics (formerly Invitae), Labcorp
Classification: Uncertain significance for Developmental and epileptic encephalopathy, 42; Episodic ataxia type 2. Last evaluated: 2022-06-13. Review status: criteria provided, single submitter. Criteria: Invitae Variant Classification Sherloc (09022015). Collection method: clinical testing. Allele origin: germline.
Comment: Algorithms developed to predict the effect of missense changes on protein structure and function (SIFT, PolyPhen-2, Align-GVGD) all suggest that this variant is likely to be disruptive. In summary, the available evidence is currently insufficient to determine the role of this variant in disease. Therefore, it has been classified as a Variant of Uncertain Significance. This variant has not been reported in the literature in individuals affected with CACNA1A-related conditions. This variant is not present in population databases (gnomAD no frequency). This sequence change replaces threonine, which is neutral and polar, with serine, which is neutral and polar, at codon 704 of the CACNA1A protein (p.Thr704Ser).

NM_001127222.2(CACNA1A):c.2107A>T (p.Thr703Ser)

Gene: CACNA1A (calcium voltage-gated channel subunit alpha1 A; minus strand). Cytogenetic location: 19p13.13.
Variant type: single nucleotide variant.
Coding change: c.2107A>T on transcript NM_001127222.2 (MANE Select); coding-DNA position 2107, A replaced by T.
Protein change: p.Thr703Ser; replaces threonine 703 with serine.
Molecular consequence: missense variant.
Genome position (GRCh38, 1-based): chr19:13,303,611, T>A on the plus strand (A>T on the coding strand, the complement: CACNA1A is on the minus strand). VCF-style: chr19-13303611-T-A. GRCh37 (hg19) VCF-style: chr19-13414425-T-A.
Other names: c.2110A>T, p.Thr704Ser (NM_000068.4, NM_001127221.2, NM_001174080.2 and 1 more transcripts); short protein forms T703S, T704S.
Identifiers: ClinVar variation 1410543 (VCV001410543.6), dbSNP rs1600283133, ClinGen allele CA404344237.
Genomic context (GRCh38, chr19:13,303,611, plus strand): 5'-TGAGCTCCTGGGCGTTGGCCAGATTGTCCACAGCGATGGCCAAGAACACATTCAGGAGGG[T>A]GTCTGCAAATGTCTGAGTCAGGAAAAGCAACCACTGGTGGGACACCACTTGGGCCCTGGG-3'
Protein context (NP_001120694.1, residues 693-713): FIVLTLFGNY[Thr703Ser]LLNVFLAIAV